The following is an entry in ClinVar:

NM_004385.5(VCAN):c.10043del (p.Pro3348fs)

Gene: VCAN (versican; plus strand). Cytogenetic location: 5q14.3.
Variant type: Deletion.
Coding change: c.10043del on transcript NM_004385.5 (MANE Select); coding-DNA position 10043, one base deleted (C; older notation c.10043delC).
Protein change: p.Pro3348fs; shifts the reading frame from proline 3348.
Molecular consequence: frameshift variant.
Genome position (GRCh38, 1-based): chr5:83,580,142, C deleted; the last of 2 consecutive C bases (chr5:83,580,141-83,580,142); deleting either gives the same sequence. VCF-style (leftmost placement, unchanged base first): chr5-83580140-AC-A. GRCh37 (hg19) VCF-style: chr5-82875959-AC-A.
Other names: c.1820del, p.Pro607fs (NM_001126336.3); c.7082del, p.Pro2361fs (NM_001164097.2); c.4781del, p.Pro1594fs (NM_001164098.2); short protein forms P607fs, P1594fs, P2361fs, P3348fs.
Identifiers: ClinVar variation 5000742 (VCV005000742.1).

ClinVar aggregate classification (germline): Uncertain significance (1 of 4 stars; one submission).

Conditions:
VCAN-related disorder. Also called: VCAN-related condition.

Submission:

PreventionGenetics, part of Exact Sciences
Classification: Uncertain significance for VCAN-related condition. Last evaluated: 2025-07-29. Review status: criteria provided, single submitter. Criteria: ACMG Guidelines, 2015. Collection method: clinical testing. Allele origin: germline.
Comment: The VCAN c.10043delC variant is predicted to result in a frameshift and premature protein termination (p.Pro3348Leufs*6). To our knowledge, this variant has not been reported in the literature or in a large population database (gnomAD), indicating this variant is rare. This variant resides in the penultimate exon of this gene, and it is unclear if the resulting mRNA would undergo nonsense-mediated decay. At this time, the clinical significance of this variant is uncertain due to the absence of conclusive functional and genetic evidence.